The following is an entry in ClinVar:

ClinVar aggregate classification (germline): Benign (1 of 4 stars; one submission).

Conditions:
Progressive myositis ossificans (FOP). Also called: Myositis ossificans progressiva; Progressive ossifying myositis; Fibrodysplasia Ossificans Progressiva. Identifiers: Orphanet 337, MedGen C0016037, MONDO:0007606, OMIM 135100.

Allele frequency attached by ClinVar (database versions not stated): gnomAD 0.00020 and 0.00038; gnomAD exomes 0.00058 and 0.00061; ExAC 0.00062; TOPMed 0.00074; 1000 Genomes Project 30x 0.00172; 1000 Genomes Project 0.00180.
gnomAD v4.1: 873 of 1,609,702 alleles (0.054%); highest among the groups gnomAD compares: East Asian, 1.9%; 13 homozygotes.

Submission:

Illumina Laboratory Services, Illumina
Classification: Benign for Progressive myositis ossificans. Last evaluated: 2018-01-13. Review status: criteria provided, single submitter. Criteria: ICSL Variant Classification Criteria 13 December 2019. Collection method: clinical testing. Allele origin: germline.
Comment: This variant was observed in the ICSL laboratory as part of a predisposition screen in an ostensibly healthy population. It had not been previously curated by ICSL or reported in the Human Gene Mutation Database (HGMD: prior to June 1st, 2018), and was therefore a candidate for classification through an automated scoring system. Utilizing variant allele frequency, disease prevalence and penetrance estimates, and inheritance mode, an automated score was calculated to assess if this variant is too frequent to cause the disease. Based on the score and internal cut-off values, a variant classified as benign is not then subjected to further curation. The score for this variant resulted in a classification of benign for this disease.

NM_001111067.4(ACVR1):c.*47C>T

Gene: ACVR1 (activin A receptor type 1; minus strand). Cytogenetic location: 2q24.1.
Variant type: single nucleotide variant.
Coding change: c.*47C>T on transcript NM_001111067.4 (MANE Select); 47 bases downstream of the stop codon, C replaced by T.
Molecular consequence: 3 prime UTR variant.
Genome position (GRCh38, 1-based): chr2:157,737,484, G>A on the plus strand (C>T on the coding strand, the complement: ACVR1 is on the minus strand). VCF-style: chr2-157737484-G-A. GRCh37 (hg19) VCF-style: chr2-158593996-G-A.
Other names: c.*47C>T (NM_001105.5, NM_001347663.1, NM_001347664.1 and 3 more transcripts).
Identifiers: ClinVar variation 331686 (VCV000331686.5), dbSNP rs55667327, ClinGen allele CA1918921.